The following is an entry in ClinVar:

NM_176894.3(P2RY13):c.256T>C (p.Leu86=)

Genes: MED12L (mediator complex subunit 12L; plus strand), P2RY13 (purinergic receptor P2Y13; minus strand). Cytogenetic location: 3q25.1.
Variant type: single nucleotide variant.
Coding change: c.256T>C on transcript NM_176894.3 (MANE Select); coding-DNA position 256, T replaced by C.
Protein change: p.Leu86=; no amino-acid change (leucine 86 retained).
Molecular consequence: synonymous variant. On other transcripts: intron variant (2).
Genome position (GRCh38, 1-based): chr3:151,328,800, A>G on the plus strand (T>C on the coding strand, the complement: P2RY13 is on the minus strand). VCF-style: chr3-151328800-A-G. GRCh37 (hg19) VCF-style: chr3-151046588-A-G.
Other names: c.2251-21259A>G (NM_001393769.1); c.2146-21259A>G (NM_053002.6).
Identifiers: ClinVar variation 2654233 (VCV002654233.24), dbSNP rs139399025, ClinGen allele CA2667691.

ClinVar aggregate classification (germline): Likely benign (1 of 4 stars; one submission).

Allele frequency attached by ClinVar (database versions not stated): ExAC 0.00016; TOPMed 0.00026; gnomAD 0.00029; gnomAD exomes 0.00030; 1000 Genomes Project 0.00040; ESP Exome Variant Server 0.00046; 1000 Genomes Project 30x 0.00047.
gnomAD v4.1: 480 of 1,613,930 alleles (0.03%); highest among the groups gnomAD compares: Admixed American, 0.04%; no homozygotes.

Submission:

CeGaT Center for Human Genetics Tuebingen
Classification: Likely benign. Last evaluated: 2023-03-01. Review status: criteria provided, single submitter. Criteria: CeGaT Center For Human Genetics Tuebingen Variant Classification Criteria Version 2. Collection method: clinical testing. Allele origin: germline. Affected: yes. Observed: 2 variant alleles.
Comment: P2RY13: BP4, BP7